The following is an entry in ClinVar:

ClinVar aggregate classification (germline): Likely benign (1 of 4 stars; one submission).

Submission:

CeGaT Center for Human Genetics Tuebingen
Classification: Likely benign. Last evaluated: 2022-08-01. Review status: criteria provided, single submitter. Criteria: CeGaT Center For Human Genetics Tuebingen Variant Classification Criteria Version 2. Collection method: clinical testing. Allele origin: germline. Affected: yes. Observed: 1 variant allele.
Comment: MKKS: PM2:Supporting, BP4, BP7

NM_170784.3(MKKS):c.1626G>A (p.Leu542=)

Gene: MKKS (MKKS centrosomal shuttling protein; minus strand). Cytogenetic location: 20p12.2.
Variant type: single nucleotide variant.
Coding change: c.1626G>A on transcript NM_170784.3 (MANE Select); coding-DNA position 1626, G replaced by A.
Protein change: p.Leu542=; no amino-acid change (leucine 542 retained).
Molecular consequence: synonymous variant. On other transcripts: non-coding transcript variant (1).
Genome position (GRCh38, 1-based): chr20:10,405,334, C>T on the plus strand (G>A on the coding strand, the complement: MKKS is on the minus strand). VCF-style: chr20-10405334-C-T. GRCh37 (hg19) VCF-style: chr20-10385982-C-T.
Other names: c.1626G>A, p.Leu542= (NM_018848.3).
Identifiers: ClinVar variation 2652202 (VCV002652202.24), dbSNP rs2514486440, ClinGen allele CA509659865.
Genomic context (GRCh38, chr20:10,405,334, plus strand): 5'-AAGATCCAAAATCAAATTGGCTGTCTCTACAGCCACCTGTAGGCCACTAAGCTTTGCAGT[C>T]AAACAGTCCAAGGTCAGGTTGCTGGCTGAGCCCACAGCTTCATGTGGAAGGCAGCTTTGT-3'
Protein context (NP_740754.1, residues 532-552): GSASNLTLDC[Leu542=]TAKLSGLQVA